The following is an entry in ClinVar:

NM_018127.7(ELAC2):c.1927C>T (p.Arg643Trp)

Gene: ELAC2 (elaC ribonuclease Z 2; minus strand). Cytogenetic location: 17p12.
Variant type: single nucleotide variant.
Coding change: c.1927C>T on transcript NM_018127.7 (MANE Select); coding-DNA position 1927, C replaced by T.
Protein change: p.Arg643Trp; replaces arginine 643 with tryptophan.
Molecular consequence: missense variant.
Genome position (GRCh38, 1-based): chr17:12,994,866, G>A on the plus strand (C>T on the coding strand, the complement: ELAC2 is on the minus strand). VCF-style: chr17-12994866-G-A. GRCh37 (hg19) VCF-style: chr17-12898183-G-A.
Other names: c.1807C>T, p.Arg603Trp (NM_001165962.2); c.1924C>T, p.Arg642Trp (NM_173717.2); short protein forms R603W, R643W, R642W.
Identifiers: ClinVar variation 1038815 (VCV001038815.2), dbSNP rs373464578, ClinGen allele CA8401000.

ClinVar aggregate classification (germline): Uncertain significance (1 of 4 stars; one submission).

Conditions:
Combined oxidative phosphorylation defect type 17. Also called: Combined oxidative phosphorylation deficiency 17. Identifiers: Orphanet 369913, MedGen C3809526, MONDO:0014190, OMIM 615440.

Allele frequency attached by ClinVar (database versions not stated): gnomAD 0.00001; gnomAD exomes 0.00002 and 0.00004; TOPMed 0.00003; ExAC 0.00004; ESP Exome Variant Server 0.00008.
gnomAD v4.1: 24 of 1,613,926 alleles (0.0015%); highest among the groups gnomAD compares: East Asian, 0.0067%; no homozygotes.

Submission:

Labcorp Genetics (formerly Invitae), Labcorp
Classification: Uncertain significance for Combined oxidative phosphorylation defect type 17. Last evaluated: 2022-01-19. Review status: criteria provided, single submitter. Criteria: Invitae Variant Classification Sherloc (09022015). Collection method: clinical testing. Allele origin: germline.
Comment: This sequence change replaces arginine, which is basic and polar, with tryptophan, which is neutral and slightly polar, at codon 643 of the ELAC2 protein (p.Arg643Trp). This variant is present in population databases (rs373464578, gnomAD 0.01%). This variant has not been reported in the literature in individuals affected with ELAC2-related conditions. ClinVar contains an entry for this variant (Variation ID: 1038815). Algorithms developed to predict the effect of missense changes on protein structure and function are either unavailable or do not agree on the potential impact of this missense change (SIFT: "Deleterious"; PolyPhen-2: "Probably Damaging"; Align-GVGD: "Class C0"). In summary, the available evidence is currently insufficient to determine the role of this variant in disease. Therefore, it has been classified as a Variant of Uncertain Significance.